The following is an entry in ClinVar:

ClinVar aggregate classification (germline): Likely pathogenic (1 of 4 stars; one submission).

Conditions:
NPHP3-related disorder. Also called: NPHP3-related disorders; NPHP3-related condition. Identifiers: MedGen CN379163.

Submission:

PreventionGenetics, part of Exact Sciences
Classification: Likely pathogenic for NPHP3-related condition. Last evaluated: 2025-12-03. Review status: criteria provided, single submitter. Criteria: ACMG Guidelines, 2015. Collection method: clinical testing. Allele origin: germline.
Comment: The NPHP3 c.400C>T variant is predicted to result in premature protein termination (p.Gln134*). To our knowledge, this variant has not been reported in the literature or in a large population database (gnomAD), indicating this variant is rare. Nonsense variants in NPHP3 are expected to be pathogenic. This variant is interpreted as likely pathogenic.

NM_153240.5(NPHP3):c.400C>T (p.Gln134Ter)

Genes: NPHP3 (nephrocystin 3; minus strand), NPHP3-ACAD11 (NPHP3-ACAD11 readthrough (NMD candidate); minus strand). Cytogenetic location: 3q22.1.
Variant type: single nucleotide variant.
Coding change: c.400C>T on transcript NM_153240.5 (MANE Select); coding-DNA position 400, C replaced by T.
Protein change: p.Gln134Ter; replaces glutamine 134 with a stop codon.
Molecular consequence: nonsense. On other transcripts: non-coding transcript variant (1).
Genome position (GRCh38, 1-based): chr3:132,719,824, G>A on the plus strand (C>T on the coding strand, the complement: NPHP3 is on the minus strand). VCF-style: chr3-132719824-G-A. GRCh37 (hg19) VCF-style: chr3-132438668-G-A.
Other names: short protein forms Q134*.
Identifiers: ClinVar variation 5000511 (VCV005000511.1).
Genomic context (GRCh38, chr3:132,719,824, plus strand): 5'-CTTGGTATTTCGCTTCTAAAGCACTTTCTTTTTCTCGAAGTATCTTCTGATACGTTTTTT[G>A]AAGTGCCTAGAATAATTTACCTTGTTATTTCCTAACAAAAATAGTCTTGCTCCTCAATTT-3'